The following is an entry in ClinVar:

ClinVar aggregate classification (germline): Likely benign. Review status: criteria provided, single submitter (1 of 4 stars). 2 submissions from 2 submitters: Likely benign (1). 1 of the submissions does not count toward it. Last evaluated 2024-10-13.

Conditions:
SEMA3E-related disorder. Also called: SEMA3E-related condition.
CHARGE syndrome (CHARGE). Also called: Hittner Hirsch Kreh syndrome; CHARGE ASSOCIATION--COLOBOMA, HEART ANOMALY, CHOANAL ATRESIA, RETARDATION, GENITAL AND EAR ANOMALIES; Coloboma, heart anomaly, choanal atresia, retardation, genital and ear anomalies; CHARGE association; Hall-Hittner syndrome. Identifiers: Orphanet 138, MedGen C0265354, MONDO:0008965.

Allele frequency attached by ClinVar (database versions not stated): gnomAD exomes below 0.00001 and 0.00001; ExAC 0.00001; gnomAD 0.00002; TOPMed 0.00002; ESP Exome Variant Server 0.00008.
gnomAD v4.1: 15 of 1,612,098 alleles (0.00093%); highest among the groups gnomAD compares: African/African-American, 0.0027%; no homozygotes.

Submissions (2):

Labcorp Genetics (formerly Invitae), Labcorp
Classification: Likely benign for CHARGE syndrome. Last evaluated: 2024-10-13. Review status: criteria provided, single submitter. Criteria: Invitae Variant Classification Sherloc (09022015). Collection method: clinical testing. Allele origin: germline.

PreventionGenetics, part of Exact Sciences
Classification: Likely benign for SEMA3E-related condition. Last evaluated: 2022-02-03. Review status: no assertion criteria provided. Collection method: clinical testing. Allele origin: germline. Not counted in ClinVar's aggregate classification.
Comment: This variant is classified as likely benign based on ACMG/AMP sequence variant interpretation guidelines (Richards et al. 2015 PMID: 25741868, with internal and published modifications).

NM_012431.3(SEMA3E):c.267C>T (p.Gly89=)

Gene: SEMA3E (semaphorin 3E; minus strand). Cytogenetic location: 7q21.11.
Variant type: single nucleotide variant.
Coding change: c.267C>T on transcript NM_012431.3 (MANE Select); coding-DNA position 267, C replaced by T.
Protein change: p.Gly89=; no amino-acid change (glycine 89 retained).
Molecular consequence: synonymous variant.
Genome position (GRCh38, 1-based): chr7:83,490,123, G>A on the plus strand (C>T on the coding strand, the complement: SEMA3E is on the minus strand). VCF-style: chr7-83490123-G-A. GRCh37 (hg19) VCF-style: chr7-83119439-G-A.
Other names: c.87C>T, p.Gly29= (NM_001178129.2); c.267C>T (NM_012431.2).
Identifiers: ClinVar variation 1111125 (VCV001111125.11), dbSNP rs375209449, ClinGen allele CA4322409.